The following is an entry in ClinVar:

ClinVar aggregate classification (germline): Uncertain significance (1 of 4 stars; one submission).

Submission:

Labcorp Genetics (formerly Invitae), Labcorp
Classification: Uncertain significance. Last evaluated: 2022-10-04. Review status: criteria provided, single submitter. Criteria: Invitae Variant Classification Sherloc (09022015). Collection method: clinical testing. Allele origin: germline.
Comment: In summary, the available evidence is currently insufficient to determine the role of this variant in disease. Therefore, it has been classified as a Variant of Uncertain Significance. Advanced modeling of protein sequence and biophysical properties (such as structural, functional, and spatial information, amino acid conservation, physicochemical variation, residue mobility, and thermodynamic stability) performed at Invitae indicates that this missense variant is not expected to disrupt KMT2A protein function. This variant has not been reported in the literature in individuals affected with KMT2A-related conditions. This variant is not present in population databases (gnomAD no frequency). This sequence change replaces methionine, which is neutral and non-polar, with arginine, which is basic and polar, at codon 1718 of the KMT2A protein (p.Met1718Arg).

NM_001197104.2(KMT2A):c.5153T>G (p.Met1718Arg)

Gene: KMT2A (lysine methyltransferase 2A; plus strand). Cytogenetic location: 11q23.3.
Variant type: single nucleotide variant.
Coding change: c.5153T>G on transcript NM_001197104.2 (MANE Select); coding-DNA position 5153, T replaced by G.
Protein change: p.Met1718Arg; replaces methionine 1718 with arginine.
Molecular consequence: missense variant.
Genome position (GRCh38, 1-based): chr11:118,493,205, T>G. VCF-style: chr11-118493205-T-G. GRCh37 (hg19) VCF-style: chr11-118363920-T-G.
Other names: c.5243T>G, p.Met1748Arg (NM_001412597.1); c.5144T>G, p.Met1715Arg (NM_005933.4); short protein forms M1715R, M1748R, M1718R.
Identifiers: ClinVar variation 2001649 (VCV002001649.4), dbSNP rs1423883889, ClinGen allele CA382837199.